The following is an entry in ClinVar:

ClinVar aggregate classification (germline): Conflicting classifications of pathogenicity. Review status: criteria provided, conflicting classifications (1 of 4 stars). 7 submissions from 7 submitters: Likely pathogenic (1); Uncertain significance (6). Last evaluated 2022-08-22.

Conditions:
Merosin deficient congenital muscular dystrophy (MDC1A). Also called: Congenital Muscular Dystrophy Type 1A (MDC1A); Congenital merosin-deficient muscular dystrophy 1A. Identifiers: Orphanet 258, MedGen C1263858, MONDO:0011925, OMIM 607855.
Muscular dystrophy, limb-girdle, autosomal recessive 23. Identifiers: Orphanet 565837, MedGen C4748327, MONDO:0029136, OMIM 618138.
LAMA2-related muscular dystrophy (LAMA2-RD). Also called: Laminin alpha 2-related dystrophy. Identifiers: MedGen C5679788, MONDO:0100228.

Allele frequency attached by ClinVar (database versions not stated): ExAC 0.00001; gnomAD exomes 0.00001 and 0.00003; TOPMed 0.00002.
gnomAD v4.1: 37 of 1,612,384 alleles (0.0023%); highest among the groups gnomAD compares: East Asian, 0.0067%; no homozygotes.

Submissions (7):

Labcorp Genetics (formerly Invitae), Labcorp
Classification: Uncertain significance for LAMA2-related muscular dystrophy. Last evaluated: 2022-08-22. Review status: criteria provided, single submitter. Criteria: Invitae Variant Classification Sherloc (09022015). Collection method: clinical testing. Allele origin: germline.
Comment: This sequence change replaces arginine, which is basic and polar, with histidine, which is basic and polar, at codon 2200 of the LAMA2 protein (p.Arg2200His). This variant is present in population databases (rs779326725, gnomAD 0.006%). This missense change has been observed in individual(s) with psychomotor delay and autism (PMID: 30373198). ClinVar contains an entry for this variant (Variation ID: 857582). Advanced modeling of protein sequence and biophysical properties (such as structural, functional, and spatial information, amino acid conservation, physicochemical variation, residue mobility, and thermodynamic stability) performed at Invitae indicates that this missense variant is not expected to disrupt LAMA2 protein function. In summary, the available evidence is currently insufficient to determine the role of this variant in disease. Therefore, it has been classified as a Variant of Uncertain Significance.

Myriad Genetics, Inc.
Classification: Uncertain significance for LAMA2-related muscular dystrophy. Last evaluated: 2021-11-09. Review status: criteria provided, single submitter. Criteria: Myriad Autosomal Dominant, Autosomal Recessive and X-Linked Classification Criteria (2023). Collection method: clinical testing. Allele origin: unknown.
Comment: NM_000426.3(LAMA2):c.6599G>A(R2200H) is a missense variant classified as a variant of uncertain significance in the context of muscular dystrophy, LAMA2-related. R2200H has been observed in cases with relevant disease (PMID: 30373198). Functional assessments of this variant are not available in the literature. R2200H has been observed in population frequency databases (gnomAD: EAS 0.01%). In summary, there is insufficient evidence to classify NM_000426.3(LAMA2):c.6599G>A(R2200H) as pathogenic or benign. Please note: this variant was assessed in the context of healthy population screening.

CeGaT Center for Human Genetics Tuebingen
Classification: Uncertain significance. Last evaluated: 2021-11-01. Review status: criteria provided, single submitter. Criteria: CeGaT Center For Human Genetics Tuebingen Variant Classification Criteria Version 2. Collection method: clinical testing. Allele origin: germline. Affected: yes. Observed: 1 variant allele.

Women's Health and Genetics/Laboratory Corporation of America, LabCorp
Classification: Uncertain significance. Last evaluated: 2021-07-26. Review status: criteria provided, single submitter. Criteria: LabCorp Variant Classification Summary - May 2015. Collection method: clinical testing. Allele origin: germline.
Comment: Variant summary: LAMA2 c.6599G>A (p.Arg2200His) results in a non-conservative amino acid change located in the Laminin G domain (IPR001791) of the encoded protein sequence. Three of four in-silico tools predict a damaging effect of the variant on protein function. The variant allele was found at a frequency of 1.2e-05 in 251100 control chromosomes (gnomAD). The available data on variant occurrences in the general population are insufficient to allow any conclusion about variant significance. c.6599G>A has been reported in the literature in combination with another LAMA2 variant (deletion of exons 13-37) in one individual affected with psychomotor delay and autism (Giugliano_2018). The data does not allow any conclusion about variant significance. To our knowledge, no experimental evidence demonstrating an impact on protein function has been reported. Two ClinVar submitters (evaluation after 2014) cite the variant as uncertain significance and likely pathogenic. Based on the evidence outlined above, the variant was classified as uncertain significance.

Breda Genetics srl
Classification: Likely pathogenic for LAMA2-related muscular dystrophy. Last evaluated: 2021-01-22. Review status: criteria provided, single submitter. Criteria: ACMG Guidelines, 2015. Collection method: clinical testing. Allele origin: inherited. Inheritance: Autosomal recessive inheritance. Affected: yes. Observed: 1 variant allele, 1 heterozygote.
Comment: The variant c.6599G>A (p.Arg2200His)in the LAMA2 gene is reported as uncertain for laminin alpha 2-related dystrophy in ClinVar (Variation ID: 857582) and as probably affecting function in Global Variome shared LOVD database v.3.0. The variant is reported with an estimated allele frequency of 0.0000122 in gnomAD exomes, with no homozygous individuals reported. The nucleotide position is highly conserved across 35 mammalian species (GERP RS: 5.57). In silico analysis indicates that the variant might be damaging. The variant was reported by Giuliano et al., 2018 (PMID: 30373198) in compound heterozygosity with a large deletion comprising exons 13-37 in a patient from a cohort of patients with clinical signs of limb-girdle muscular dystrophy and congenital myopathies.

Revvity Omics, Revvity
Classification: Uncertain significance. Last evaluated: 2019-11-12. Review status: criteria provided, single submitter. Criteria: ACMG Guidelines, 2015. Collection method: clinical testing. Allele origin: germline.

Juno Genomics, Hangzhou Juno Genomics, Inc
Classification: Uncertain significance for Merosin deficient congenital muscular dystrophy; Muscular dystrophy, limb-girdle, autosomal recessive 23. Review status: criteria provided, single submitter. Criteria: ACMG Guidelines, 2015. Collection method: clinical testing. Allele origin: germline.
Comment: Absent from controls (or at extremely low frequency if recessive) in Genome Aggregation Database.;For recessive disorders, detected in trans with a pathogenic variant.;Patient's phenotype or family history is highly specific for a disease with a single genetic etiology.

Literature cited by the submitters: PubMed 30373198 (cited by 3 submitters).

NM_000426.4(LAMA2):c.6599G>A (p.Arg2200His)

Gene: LAMA2 (laminin subunit alpha 2; plus strand). Cytogenetic location: 6q22.33.
Variant type: single nucleotide variant.
Coding change: c.6599G>A on transcript NM_000426.4 (MANE Select); coding-DNA position 6599, G replaced by A.
Protein change: p.Arg2200His; replaces arginine 2200 with histidine.
Molecular consequence: missense variant.
Genome position (GRCh38, 1-based): chr6:129,454,180, G>A. VCF-style: chr6-129454180-G-A. GRCh37 (hg19) VCF-style: chr6-129775325-G-A.
Other names: c.6599G>A, p.Arg2200His (NM_001079823.2); short protein forms R2200H.
Identifiers: ClinVar variation 857582 (VCV000857582.48), dbSNP rs779326725, ClinGen allele CA3994316.